The following is an entry in ClinVar:

NM_014363.6(SACS):c.3168del (p.Asp1057fs)

Gene: SACS (sacsin molecular chaperone; minus strand). Cytogenetic location: 13q12.12.
Variant type: Deletion.
Coding change: c.3168del on transcript NM_014363.6 (MANE Select); coding-DNA position 3168, one base deleted (T; older notation c.3168delT).
Protein change: p.Asp1057fs; shifts the reading frame from aspartic acid 1057.
Molecular consequence: frameshift variant.
Genome position (GRCh38, 1-based): chr13:23,340,708, A deleted on the plus strand (T on the coding strand, the reverse complement: SACS is on the minus strand). VCF-style (leftmost placement, unchanged base first): chr13-23340707-CA-C. GRCh37 (hg19) VCF-style: chr13-23914846-CA-C.
Other names: c.2727del, p.Asp910fs (NM_001278055.2); short protein forms D1057fs, D910fs.
Identifiers: ClinVar variation 1256212 (VCV001256212.1), dbSNP rs2137637783, ClinGen allele CA2499221983.
Genomic context (GRCh38, chr13:23,340,707, plus strand): 5'-CTGAGGGTGGGAAATAGGTTCCTTCTTCATTACAAAAGAGATCCTTTAGTACTTCTATAT[CA>C]GGGTCAAAGAGTTCACCAGCTGATACCATCTGTTCCTGTGATATCTGGATGAATTTTAAT-3'

ClinVar aggregate classification (germline): Pathogenic (1 of 4 stars; one submission).

Submission:

Athena Diagnostics
Classification: Pathogenic. Last evaluated: 2021-02-11. Review status: criteria provided, single submitter. Criteria: Athena Diagnostics criteria. Collection method: clinical testing. Allele origin: unknown.
Comment: This variant is expected to result in the loss of a functional protein. This variant has not been reported in large, multi-ethnic general populations. This variant has been identified in at least one individual with clinical features associated with this gene.